The following is an entry in ClinVar:

NM_000466.3(PEX1):c.3070_3071del (p.Leu1024fs)

Genes: PEX1 (peroxisomal biogenesis factor 1; minus strand), GATAD1 (GATA zinc finger domain containing 1; plus strand). Cytogenetic location: 7q21.2.
Variant type: Microsatellite.
Coding change: c.3070_3071del on transcript NM_000466.3 (MANE Select); coding-DNA positions 3070 to 3071, 2 bases deleted (CT; older notation c.3070_3071delCT).
Protein change: p.Leu1024fs; shifts the reading frame from leucine 1024.
Molecular consequence: frameshift variant.
Genome position (GRCh38, 1-based): chr7:92,493,089-92,493,090, AG deleted on the plus strand (CT on the coding strand, the reverse complement: PEX1 is on the minus strand); deleting any 2 consecutive bases within chr7:92,493,089-92,493,094 gives the same sequence; the c. name uses the placement nearest the transcript's 3' end. VCF-style (leftmost placement, unchanged base first): chr7-92493088-TAG-T. GRCh37 (hg19) VCF-style: chr7-92122402-TAG-T.
Other names: c.2899_2900del, p.Leu967fs (NM_001282677.2); c.2446_2447del, p.Leu816fs (NM_001282678.2); short protein forms L967fs, L1024fs, L816fs.
Identifiers: ClinVar variation 861041 (VCV000861041.11), dbSNP rs1312351030, ClinGen allele CA843845513.
Genomic context (GRCh38, chr7:92,493,088, plus strand): 5'-TCCAGTAAAGGAGTCAGTTACTGATGCTACATGCTGAAGGTCAACATCATCTGCCAGAGG[TAG>T]AGAGTCACTGAGGACATTTAAAATTTCAAGACGTGACACCTGAAAGGAGAAAAATTTATT-3'

ClinVar aggregate classification (germline): Pathogenic/Likely pathogenic. Review status: criteria provided, multiple submitters, no conflicts (2 of 4 stars). 4 submissions from 4 submitters: Pathogenic (1); Likely pathogenic (3). Last evaluated 2025-05-27.

Conditions:
Heimler syndrome 1 (HMLR1). Also called: PEROXISOME BIOGENESIS DISORDER 1C. Identifiers: Orphanet 3220, MedGen C4551980, OMIM 234580, MONDO:0024544.
Peroxisome biogenesis disorder 1A (Zellweger) (PBD1A). Also called: Zellweger leukodystrophy; Peroxisome biogenesis disorder 1a. Identifiers: MedGen C4721541, MONDO:0008953, OMIM 214100.
Peroxisome biogenesis disorder 1B (PBD1B). Also called: PEROXISOME BIOGENESIS DISORDER (NALD/IRD); ADRENOLEUKODYSTROPHY, AUTOSOMAL NEONATAL; PEROXISOME BIOGENESIS DISORDER (NEONATAL ADRENOLEUKODYSTROPHY/INFANTILE REFSUM DISEASE); INFANTILE PHYTANIC ACID STORAGE DISEASE; Refsum disease, infantile form; Infantile Refsum disease. Identifiers: Orphanet 44, MedGen C0282527, MONDO:0011101, OMIM 601539.
Zellweger spectrum disorders (ZS). Also called: Zellweger syndrome; Zellweger Spectrum Disorder; Zellweger Spectrum; Zellweger Spectrum Disorder (ZSD). Identifiers: Orphanet 912, MedGen C0043459, MONDO:0019609.

Submissions (4):

Natera, Inc.
Classification: Likely pathogenic for Zellweger syndrome. Last evaluated: 2025-05-27. Review status: criteria provided, single submitter. Criteria: Natera Variant Classification Schema (03/2026). Collection method: clinical testing. Allele origin: germline.
Comment: The c.3070_3071del variant in PEX1 is a frameshift variant predicted to shift the reading frame beginning at codon 1024 and leads to a stop codon 5 codons downstream. This variant is expected to result in nonsense mediated decay, truncation, or a dysfunctional protein product. This variant is rare in the general population with a frequency below the threshold expected for the associated phenotype(s). Given the available evidence, this variant is classified as Likely Pathogenic.

Labcorp Genetics (formerly Invitae), Labcorp
Classification: Pathogenic for Zellweger spectrum disorders. Last evaluated: 2025-05-08. Review status: criteria provided, single submitter. Criteria: Invitae Variant Classification Sherloc (09022015). Collection method: clinical testing. Allele origin: germline.
Comment: This sequence change creates a premature translational stop signal (p.Leu1024Thrfs*5) in the PEX1 gene. It is expected to result in an absent or disrupted protein product. Loss-of-function variants in PEX1 are known to be pathogenic (PMID: 21031596, 26387595, 31831025). This variant is not present in population databases (gnomAD no frequency). This variant has not been reported in the literature in individuals affected with PEX1-related conditions. ClinVar contains an entry for this variant (Variation ID: 861041). For these reasons, this variant has been classified as Pathogenic.

Fulgent Genetics
Classification: Likely pathogenic for Peroxisome biogenesis disorder 1A (Zellweger); Heimler syndrome 1; Peroxisome biogenesis disorder 1B. Last evaluated: 2024-06-18. Review status: criteria provided, single submitter. Criteria: ACMG Guidelines, 2015. Collection method: clinical testing. Allele origin: germline.

Baylor Genetics
Classification: Likely pathogenic for Heimler syndrome 1. Last evaluated: 2023-07-19. Review status: criteria provided, single submitter. Criteria: ACMG Guidelines, 2015. Collection method: clinical testing. Allele origin: unknown.

Literature cited by the submitters: PubMed 21031596 (cited by Labcorp Genetics (formerly Invitae), Labcorp); PubMed 26387595 (cited by Labcorp Genetics (formerly Invitae), Labcorp); PubMed 31831025 (cited by Labcorp Genetics (formerly Invitae), Labcorp).